The following is an entry in ClinVar:

ClinVar aggregate classification (germline): Likely pathogenic (1 of 4 stars; one submission).

Submission:

GeneDx
Classification: Likely pathogenic. Last evaluated: 2024-02-14. Review status: criteria provided, single submitter. Criteria: GeneDx Variant Classification Process June 2021. Collection method: clinical testing. Allele origin: germline. Affected: yes.
Comment: Not observed at significant frequency in large population cohorts (gnomAD); In silico analysis supports that this missense variant has a deleterious effect on protein structure/function; This variant is associated with the following publications: (PMID: 22552817, 21139634, 26094131)

NM_014946.4(SPAST):c.1376G>A (p.Arg459Lys)

Gene: SPAST (spastin; plus strand). Cytogenetic location: 2p22.3.
Variant type: single nucleotide variant.
Coding change: c.1376G>A on transcript NM_014946.4 (MANE Select); coding-DNA position 1376, G replaced by A.
Protein change: p.Arg459Lys; replaces arginine 459 with lysine.
Molecular consequence: missense variant.
Genome position (GRCh38, 1-based): chr2:32,136,931, G>A. VCF-style: chr2-32136931-G-A. GRCh37 (hg19) VCF-style: chr2-32362000-G-A.
Other names: c.1373G>A, p.Arg458Lys (NM_001363823.2); c.1277G>A, p.Arg426Lys (NM_001363875.2); c.1280G>A, p.Arg427Lys (NM_001377959.1, NM_199436.2); short protein forms R426K, R427K, R458K, R459K.
Identifiers: ClinVar variation 1212849 (VCV001212849.4), dbSNP rs1553318240, ClinGen allele CA346502284.